The following is an entry in ClinVar:

NM_004260.4(RECQL4):c.1585G>T (p.Val529Phe)

Gene: RECQL4 (RecQ like helicase 4; minus strand). Cytogenetic location: 8q24.3.
Variant type: single nucleotide variant.
Coding change: c.1585G>T on transcript NM_004260.4 (MANE Select); coding-DNA position 1585, G replaced by T.
Protein change: p.Val529Phe; replaces valine 529 with phenylalanine.
Molecular consequence: missense variant. On other transcripts: non-coding transcript variant (3).
Genome position (GRCh38, 1-based): chr8:144,514,971, C>A on the plus strand (G>T on the coding strand, the complement: RECQL4 is on the minus strand). VCF-style: chr8-144514971-C-A. GRCh37 (hg19) VCF-style: chr8-145740355-C-A.
Other names: c.1489G>T, p.Val497Phe (NM_001413017.1, NM_001413020.1); c.1585G>T, p.Val529Phe (NM_001413018.1, NM_001413019.1, NM_001413033.1 and 1 more transcripts); c.514G>T, p.Val172Phe (NM_001413021.1, NM_001413022.1, NM_001413023.1 and 7 more transcripts); c.1456G>T, p.Val486Phe (NM_001413025.1); c.448G>T, p.Val150Phe (NM_001413027.1, NM_001413030.1, NM_001413031.1 and 2 more transcripts); c.1234G>T, p.Val412Phe (NM_001413029.1); c.1585G>T (NM_004260.3); c.1555G>T, p.Val519Phe (NM_001413039.1); and 2 more; short protein forms V519F, V172F, V162F, V412F, V486F, V529F, V150F, V40F.
Identifiers: ClinVar variation 3714844 (VCV003714844.3).

ClinVar aggregate classification (germline): Uncertain significance. Review status: criteria provided, multiple submitters, no conflicts (2 of 4 stars). 2 submissions from 2 submitters: Uncertain significance (2). Last evaluated 2025-04-17.

Conditions:
Baller-Gerold syndrome (BGS). Also called: CRANIOSYNOSTOSIS WITH RADIAL DEFECTS. Identifiers: Orphanet 1225, MedGen C0265308, MONDO:0009039, OMIM 218600.
Inborn genetic diseases. Identifiers: MedGen C0950123, MeSH D030342.

Submissions (2):

Ambry Genetics
Classification: Uncertain significance for Inborn genetic diseases. Last evaluated: 2025-04-17. Review status: criteria provided, single submitter. Criteria: Ambry Variant Classification Scheme 2023. Collection method: clinical testing. Allele origin: germline.
Comment: The p.V529F variant (also known as c.1585G>T), located in coding exon 9 of the RECQL4 gene, results from a G to T substitution at nucleotide position 1585. The valine at codon 529 is replaced by phenylalanine, an amino acid with highly similar properties. This amino acid position is conserved. In addition, this alteration is predicted to be deleterious by in silico analysis. Based on the available evidence, the clinical significance of this variant remains unclear.

Labcorp Genetics (formerly Invitae), Labcorp
Classification: Uncertain significance for Baller-Gerold syndrome. Last evaluated: 2025-02-02. Review status: criteria provided, single submitter. Criteria: Invitae Variant Classification Sherloc (09022015). Collection method: clinical testing. Allele origin: germline.
Comment: This sequence change replaces valine, which is neutral and non-polar, with phenylalanine, which is neutral and non-polar, at codon 529 of the RECQL4 protein (p.Val529Phe). This variant is not present in population databases (gnomAD no frequency). This variant has not been reported in the literature in individuals affected with RECQL4-related conditions. Invitae Evidence Modeling of protein sequence and biophysical properties (such as structural, functional, and spatial information, amino acid conservation, physicochemical variation, residue mobility, and thermodynamic stability) indicates that this missense variant is expected to disrupt RECQL4 protein function with a positive predictive value of 80%. In summary, the available evidence is currently insufficient to determine the role of this variant in disease. Therefore, it has been classified as a Variant of Uncertain Significance.